The following is an entry in ClinVar:

NC_000022.10:g.(?_29083885)_(34046674_?)dup

Genes: SFI1 (SFI1 centrin binding protein; plus strand), SLC35E4 (solute carrier family 35 member E4; plus strand), SLC5A1 (solute carrier family 5 member 1; plus strand), SLC5A4 (solute carrier family 5 member 4; minus strand), SMTN (smoothelin; plus strand) and 68 more. Cytogenetic location: 22q12.1-12.3.
Variant type: Duplication.
Identifiers: ClinVar variation 1466555 (VCV001466555.6).

ClinVar aggregate classification (germline): Uncertain significance (1 of 4 stars; one submission).

Submission:

Labcorp Genetics (formerly Invitae), Labcorp
Classification: Uncertain significance. Last evaluated: 2022-08-31. Review status: criteria provided, single submitter. Criteria: Invitae Variant Classification Sherloc (09022015). Collection method: clinical testing. Allele origin: germline.
Comment: In summary, the available evidence is currently insufficient to determine the role of this variant in disease. Therefore, it has been classified as a Variant of Uncertain Significance. This variant has not been reported in the literature in individuals affected with PISD-related conditions. A copy number gain of the genomic region encompassing the full coding sequence of the PISD gene has been identified. The boundaries of this event are unknown as they extend beyond the assayed region for this gene and therefore may encompass additional genes. As the precise location of this event is unknown, it may be in tandem or it may be located elsewhere in the genome.